The following is an entry in ClinVar:

NM_002474.3(MYH11):c.2621A>G (p.Glu874Gly)

Gene: MYH11 (myosin heavy chain 11; minus strand). Cytogenetic location: 16p13.11.
Variant type: single nucleotide variant.
Coding change: c.2621A>G on transcript NM_002474.3 (MANE Select); coding-DNA position 2621, A replaced by G.
Protein change: p.Glu874Gly; replaces glutamic acid 874 with glycine.
Molecular consequence: missense variant.
Genome position (GRCh38, 1-based): chr16:15,741,791, T>C on the plus strand (A>G on the coding strand, the complement: MYH11 is on the minus strand). VCF-style: chr16-15741791-T-C. GRCh37 (hg19) VCF-style: chr16-15835648-T-C.
Other names: c.2642A>G, p.Glu881Gly (NM_001040113.2, NM_001040114.2); c.2621A>G, p.Glu874Gly (NM_022844.3); short protein forms E874G, E881G.
Identifiers: ClinVar variation 3894316 (VCV003894316.2).

ClinVar aggregate classification (germline): Uncertain significance. Review status: criteria provided, multiple submitters, no conflicts (2 of 4 stars). 2 submissions from 2 submitters: Uncertain significance (2). Last evaluated 2025-09-10.

Conditions:
Aortic aneurysm, familial thoracic 4 (AAT4). Also called: AORTIC ANEURYSM/AORTIC DISSECTION AND PATENT DUCTUS ARTERIOSUS. Identifiers: MedGen C1851504, MONDO:0007568, OMIM 132900.
Familial thoracic aortic aneurysm and aortic dissection (TAAD). Also called: Thoracic aortic aneurysms and dissections. Identifiers: Orphanet 91387, MedGen C4707243, MONDO:0019625.

Submissions (2):

Labcorp Genetics (formerly Invitae), Labcorp
Classification: Uncertain significance for Aortic aneurysm, familial thoracic 4. Last evaluated: 2025-09-10. Review status: criteria provided, single submitter. Criteria: Invitae Variant Classification Sherloc (09022015). Collection method: clinical testing. Allele origin: germline.
Comment: This sequence change replaces glutamic acid, which is acidic and polar, with glycine, which is neutral and non-polar, at codon 881 of the MYH11 protein (p.Glu881Gly). This variant is not present in population databases (gnomAD no frequency). This variant has not been reported in the literature in individuals affected with MYH11-related conditions. ClinVar contains an entry for this variant (Variation ID: 3894316). Invitae Evidence Modeling of protein sequence and biophysical properties (such as structural, functional, and spatial information, amino acid conservation, physicochemical variation, residue mobility, and thermodynamic stability) indicates that this missense variant is not expected to disrupt MYH11 protein function with a negative predictive value of 95%. In summary, the available evidence is currently insufficient to determine the role of this variant in disease. Therefore, it has been classified as a Variant of Uncertain Significance.

Color Diagnostics, LLC DBA Color Health
Classification: Uncertain significance for Familial thoracic aortic aneurysm and aortic dissection. Last evaluated: 2024-03-24. Review status: criteria provided, single submitter. Criteria: ACMG Guidelines, 2015. Collection method: clinical testing. Allele origin: germline.
Comment: This missense variant replaces glutamic acid with glycine at codon 881 of the MYH11 protein. Computational prediction is inconclusive regarding the impact of this variant on protein structure and function (internally defined REVEL score threshold 0.5 < inconclusive < 0.7, PMID: 27666373). To our knowledge, functional studies have not been reported for this variant. This variant has not been reported in individuals affected with MYH11-related disorders in the literature. This variant has not been identified in the general population by the Genome Aggregation Database (gnomAD). The available evidence is insufficient to determine the role of this variant in disease conclusively. Therefore, this variant is classified as a Variant of Uncertain Significance.